The following is an entry in ClinVar:

ClinVar aggregate classification (germline): Uncertain significance (1 of 4 stars; one submission).

Submission:

GeneDx
Classification: Uncertain significance. Last evaluated: 2019-06-14. Review status: criteria provided, single submitter. Criteria: GeneDx Variant Classification Process June 2021. Collection method: clinical testing. Allele origin: germline. Affected: yes.
Comment: Not observed in large population cohorts (Lek et al., 2016); In silico analysis, which includes protein predictors and evolutionary conservation, supports a deleterious effect; Has not been previously published as pathogenic or benign to our knowledge

NM_006329.4(FBLN5):c.1090G>A (p.Asp364Asn)

Gene: FBLN5 (fibulin 5; minus strand). Cytogenetic location: 14q32.12.
Variant type: single nucleotide variant.
Coding change: c.1090G>A on transcript NM_006329.4 (MANE Select); coding-DNA position 1090, G replaced by A.
Protein change: p.Asp364Asn; replaces aspartic acid 364 with asparagine.
Molecular consequence: missense variant.
Genome position (GRCh38, 1-based): chr14:91,877,582, C>T on the plus strand (G>A on the coding strand, the complement: FBLN5 is on the minus strand). VCF-style: chr14-91877582-C-T. GRCh37 (hg19) VCF-style: chr14-92343926-C-T.
Other names: c.1213G>A, p.Asp405Asn (NM_001384158.1); c.1141G>A, p.Asp381Asn (NM_001384159.1); c.1090G>A, p.Asp364Asn (NM_001384160.1); c.922G>A, p.Asp308Asn (NM_001384161.1, NM_001384162.1); short protein forms D308N, D364N, D381N, D405N.
Identifiers: ClinVar variation 1317179 (VCV001317179.2), dbSNP rs1802492, ClinGen allele CA390640732.
Genomic context (GRCh38, chr14:91,877,582, plus strand): 5'-TGATCTGGAAAATGTAATAGGCCCCAGGGTAGCGGGTCGTGGCTTGCATTTGGAAGATGT[C>T]AGCGGGAACGGAGCGTCCTGACACCACGTCCATGTCCCGGTACAAGATGGTAAAGGGCTG-3'
Protein context (NP_006320.2, residues 354-374): DVVSGRSVPA[Asp364Asn]IFQMQATTRY